The following is an entry in ClinVar:

ClinVar aggregate classification (germline): Uncertain significance (1 of 4 stars; one submission).

Conditions:
Cardiovascular phenotype. Identifiers: MedGen CN230736.

Submission:

Ambry Genetics
Classification: Uncertain significance for Cardiovascular phenotype. Last evaluated: 2019-08-11. Review status: criteria provided, single submitter. Criteria: Ambry Variant Classification Scheme 2023. Collection method: clinical testing. Allele origin: germline.
Comment: The p.K9642R variant (also known as c.28925A>G), located in coding exon 116 of the TTN gene, results from an A to G substitution at nucleotide position 28925. The lysine at codon 9642 is replaced by arginine, an amino acid with highly similar properties. This amino acid position is well conserved in available vertebrate species. In addition, this alteration is predicted to be tolerated by in silico analysis. Since supporting evidence is limited at this time, the clinical significance of this alteration remains unclear.

NM_001267550.2(TTN):c.56120A>G (p.Lys18707Arg)

Genes: TTN (titin; minus strand), TTN-AS1 (TTN antisense RNA 1; plus strand). Cytogenetic location: 2q31.2.
Variant type: single nucleotide variant.
Coding change: c.56120A>G on transcript NM_001267550.2 (MANE Select); coding-DNA position 56120, A replaced by G.
Protein change: p.Lys18707Arg; replaces lysine 18707 with arginine.
Molecular consequence: missense variant.
Genome position (GRCh38, 1-based): chr2:178,599,781, T>C on the plus strand (A>G on the coding strand, the complement: TTN is on the minus strand). VCF-style: chr2-178599781-T-C. GRCh37 (hg19) VCF-style: chr2-179464508-T-C.
Other names: c.51197A>G, p.Lys17066Arg (NM_001256850.1); c.28925A>G, p.Lys9642Arg (NM_003319.4); c.48416A>G, p.Lys16139Arg (NM_133378.4); c.29300A>G, p.Lys9767Arg (NM_133432.3); c.29501A>G, p.Lys9834Arg (NM_133437.4); short protein forms K16139R, K9767R, K17066R, K9642R, K9834R, K18707R.
Identifiers: ClinVar variation 1797318 (VCV001797318.2), dbSNP rs770068370, ClinGen allele CA349534750.